The following is an entry in ClinVar:

ClinVar aggregate classification (germline): Likely pathogenic (1 of 4 stars; one submission).

Submission:

GeneDx
Classification: Likely pathogenic. Last evaluated: 2019-01-03. Review status: criteria provided, single submitter. Criteria: GeneDx Variant Classification (06012015). Collection method: clinical testing. Allele origin: germline. Affected: yes.
Comment: A variant that is likely pathogenic has been identified in the ATP2A2 gene. The N767D variant has been reported previously in association with Darier disease in 3 individuals from the same family (Ren et al., 2006). The N767D variant is not observed in large population cohorts (Lek et al., 2016). The N767D variant is a semi-conservative amino acid substitution, which may impact secondary protein structure as these residues differ in some properties. In-silico analyses, including protein predictors and evolutionary conservation, support a deleterious effect. Additionally, a missense variant at the same residue and variants in nearby residues have been reported in the Human Gene Mutation Database in individuals with Darier disease (Stenson et al., 2014). Therefore, this variant is likely pathogenic; however, the possibility that it is benign cannot be excluded.

NM_170665.4(ATP2A2):c.2299A>G (p.Asn767Asp)

Gene: ATP2A2 (ATPase sarcoplasmic/endoplasmic reticulum Ca2+ transporting 2; plus strand). Cytogenetic location: 12q24.11.
Variant type: single nucleotide variant.
Coding change: c.2299A>G on transcript NM_170665.4 (MANE Select); coding-DNA position 2299, A replaced by G.
Protein change: p.Asn767Asp; replaces asparagine 767 with aspartic acid.
Molecular consequence: missense variant.
Genome position (GRCh38, 1-based): chr12:110,342,429, A>G. VCF-style: chr12-110342429-A-G. GRCh37 (hg19) VCF-style: chr12-110780234-A-G.
Other names: c.2299A>G, p.Asn767Asp (NM_001681.4); short protein forms N767D.
Identifiers: ClinVar variation 546106 (VCV000546106.2), dbSNP rs1555284765, ClinGen allele CA386675844.